The following is an entry in ClinVar:

NM_001163809.2(WDR81):c.2610G>A (p.Val870=)

Gene: WDR81 (WD repeat domain 81; plus strand). Cytogenetic location: 17p13.3.
Variant type: single nucleotide variant.
Coding change: c.2610G>A on transcript NM_001163809.2 (MANE Select); coding-DNA position 2610, G replaced by A.
Protein change: p.Val870=; no amino-acid change (valine 870 retained).
Molecular consequence: synonymous variant. On other transcripts: intron variant (3).
Genome position (GRCh38, 1-based): chr17:1,727,569, G>A. VCF-style: chr17-1727569-G-A. GRCh37 (hg19) VCF-style: chr17-1630863-G-A.
Other names: c.-123-421G>A (NM_152348.4); c.59-2811G>A (NM_001163673.2); c.-15+2783G>A (NM_001163811.2).
Identifiers: ClinVar variation 3051486 (VCV003051486.12), dbSNP rs901631912, ClinGen allele CA286873442.

ClinVar aggregate classification (germline): Likely benign. Review status: criteria provided, single submitter (1 of 4 stars). 2 submissions from 2 submitters: Likely benign (1). 1 of the submissions does not count toward it. Last evaluated 2026-09-01.

Conditions:
WDR81-related disorder. Also called: WDR81-related condition.

Allele frequency attached by ClinVar (database versions not stated): gnomAD exomes below 0.00001; gnomAD 0.00003; TOPMed 0.00006.
gnomAD v4.1: 17 of 1,550,382 alleles (0.0011%); highest among the groups gnomAD compares: Middle Eastern, 0.017%; no homozygotes.

Submissions (2):

CeGaT Center for Human Genetics Tuebingen
Classification: Likely benign. Last evaluated: 2026-09-01. Review status: criteria provided, single submitter. Criteria: CeGaT Center For Human Genetics Tuebingen Variant Classification Criteria Version 2. Collection method: clinical testing. Allele origin: germline. Affected: yes. Observed: 3 variant alleles.
Comment: WDR81: BP4, BP7

PreventionGenetics, part of Exact Sciences
Classification: Likely benign for WDR81-related condition. Last evaluated: 2023-10-13. Review status: no assertion criteria provided. Collection method: clinical testing. Allele origin: germline. Not counted in ClinVar's aggregate classification.
Comment: This variant is classified as likely benign based on ACMG/AMP sequence variant interpretation guidelines (Richards et al. 2015 PMID: 25741868, with internal and published modifications).